The following is an entry in ClinVar:

ClinVar aggregate classification (germline): Uncertain significance. Review status: criteria provided, multiple submitters, no conflicts (2 of 4 stars). 2 submissions from 2 submitters: Uncertain significance (2). Last evaluated 2025-05-22.

Conditions:
Inborn genetic diseases. Identifiers: MedGen C0950123, MeSH D030342.

Allele frequency attached by ClinVar (database versions not stated): ExAC 0.00001; gnomAD 0.00001; gnomAD exomes 0.00001 and 0.00004; TOPMed 0.00003; 1000 Genomes Project 0.00020; 1000 Genomes Project 30x 0.00031.
gnomAD v4.1: 21 of 1,614,078 alleles (0.0013%); highest among the groups gnomAD compares: Admixed American, 0.015%; no homozygotes.

Submissions (2):

Labcorp Genetics (formerly Invitae), Labcorp
Classification: Uncertain significance. Last evaluated: 2025-05-22. Review status: criteria provided, single submitter. Criteria: Invitae Variant Classification Sherloc (09022015). Collection method: clinical testing. Allele origin: germline.
Comment: This sequence change replaces arginine, which is basic and polar, with cysteine, which is neutral and slightly polar, at codon 1011 of the VCAN protein (p.Arg1011Cys). This variant is present in population databases (rs552006796, gnomAD 0.01%). This variant has not been reported in the literature in individuals affected with VCAN-related conditions. ClinVar contains an entry for this variant (Variation ID: 1025276). An algorithm developed to predict the effect of missense changes on protein structure and function (PolyPhen-2) suggests that this variant is likely to be tolerated. In summary, the available evidence is currently insufficient to determine the role of this variant in disease. Therefore, it has been classified as a Variant of Uncertain Significance.

Ambry Genetics
Classification: Uncertain significance for Inborn genetic diseases. Last evaluated: 2022-12-28. Review status: criteria provided, single submitter. Criteria: Ambry Variant Classification Scheme 2023. Collection method: clinical testing. Allele origin: germline.

NM_004385.5(VCAN):c.3031C>T (p.Arg1011Cys)

Gene: VCAN (versican; plus strand). Cytogenetic location: 5q14.3.
Variant type: single nucleotide variant.
Coding change: c.3031C>T on transcript NM_004385.5 (MANE Select); coding-DNA position 3031, C replaced by T.
Protein change: p.Arg1011Cys; replaces arginine 1011 with cysteine.
Molecular consequence: missense variant. On other transcripts: intron variant (2).
Genome position (GRCh38, 1-based): chr5:83,521,337, C>T. VCF-style: chr5-83521337-C-T. GRCh37 (hg19) VCF-style: chr5-82817156-C-T.
Other names: c.3031C>T (NM_004385.4); c.3031C>T, p.Arg1011Cys (NM_001164098.2); c.1042+8941C>T (NM_001164097.2, NM_001126336.3); short protein forms R1011C.
Identifiers: ClinVar variation 1025276 (VCV001025276.8), dbSNP rs552006796, ClinGen allele CA3332940.